The following is an entry in ClinVar:

ClinVar aggregate classification (germline): Conflicting classifications of pathogenicity. Review status: criteria provided, conflicting classifications (1 of 4 stars). 2 submissions from 2 submitters: Uncertain significance (1); Likely benign (1). Last evaluated 2023-03-23.

Conditions:
Hereditary cancer-predisposing syndrome. Also called: Hereditary Cancer Syndrome; Hereditary neoplastic syndrome; Neoplastic Syndromes, Hereditary; Tumor predisposition. Identifiers: Orphanet 140162, MedGen C0027672, MeSH D009386, MONDO:0015356.

Submissions (2):

University of Washington Department of Laboratory Medicine, University of Washington
Classification: Likely benign for Hereditary cancer-predisposing syndrome. Last evaluated: 2023-03-23. Review status: criteria provided, single submitter. Criteria: Dines et al. (Genet Med. 2020). Collection method: curation. Allele origin: germline.
Comment: Missense variant in a coldspot region where missense variants are very unlikely to be pathogenic (PMID:31911673).

BRCA2 exon 11 coldspot. Reclassification based on statistical prior probability.

Ambry Genetics
Classification: Uncertain significance for Hereditary cancer-predisposing syndrome. Last evaluated: 2019-03-21. Review status: criteria provided, single submitter. Criteria: Ambry Variant Classification Scheme 2023. Collection method: clinical testing. Allele origin: germline.
Comment: The p.F1460S variant (also known as c.4379T>C), located in coding exon 10 of the BRCA2 gene, results from a T to C substitution at nucleotide position 4379. The phenylalanine at codon 1460 is replaced by serine, an amino acid with highly dissimilar properties. This amino acid position is well conserved in available vertebrate species. In addition, this alteration is predicted to be tolerated by in silico analysis. Since supporting evidence is limited at this time, the clinical significance of this alteration remains unclear.

NM_000059.4(BRCA2):c.4379T>C (p.Phe1460Ser)

Gene: BRCA2 (BRCA2 DNA repair associated; plus strand). Cytogenetic location: 13q13.1.
Variant type: single nucleotide variant.
Coding change: c.4379T>C on transcript NM_000059.4 (MANE Select); coding-DNA position 4379, T replaced by C.
Protein change: p.Phe1460Ser; replaces phenylalanine 1460 with serine.
Molecular consequence: missense variant.
Genome position (GRCh38, 1-based): chr13:32,338,734, T>C. VCF-style: chr13-32338734-T-C. GRCh37 (hg19) VCF-style: chr13-32912871-T-C.
Other names: short protein forms F1460S.
Identifiers: ClinVar variation 441321 (VCV000441321.7), dbSNP rs1555283758, ClinGen allele CA387781046.
Genomic context (GRCh38, chr13:32,338,734, plus strand): 5'-AAGAGTCATTTAATAAAATTGTAAATTTCTTTGATCAGAAACCAGAAGAATTGCATAACT[T>C]TTCCTTAAATTCTGAATTACATTCTGACATAAGAAAGAACAAAATGGACATTCTAAGTTA-3'
Protein context (NP_000050.3, residues 1450-1470): FDQKPEELHN[Phe1460Ser]SLNSELHSDI